The following is an entry in ClinVar:

NM_001849.4(COL6A2):c.874G>A (p.Gly292Ser)

Gene: COL6A2 (collagen type VI alpha 2 chain; plus strand). Cytogenetic location: 21q22.3.
Variant type: single nucleotide variant.
Coding change: c.874G>A on transcript NM_001849.4 (MANE Select); coding-DNA position 874, G replaced by A.
Protein change: p.Gly292Ser; replaces glycine 292 with serine.
Molecular consequence: missense variant.
Genome position (GRCh38, 1-based): chr21:46,116,027, G>A. VCF-style: chr21-46116027-G-A. GRCh37 (hg19) VCF-style: chr21-47535941-G-A.
Other names: c.874G>A, p.Gly292Ser (NM_058174.3, NM_058175.3); short protein forms G292S.
Identifiers: ClinVar variation 1351958 (VCV001351958.10), dbSNP rs727502828, ClinGen allele CA295267.

ClinVar aggregate classification (germline): Pathogenic. Review status: criteria provided, multiple submitters, no conflicts (2 of 4 stars). 3 submissions from 3 submitters: Pathogenic (3). Last evaluated 2026-02-01.

Conditions:
Bethlem myopathy 1A. Also called: MYOPATHY, BENIGN CONGENITAL, WITH CONTRACTURES; Bethlem myopathy 1; Bethlem Muscular Dystrophy. Identifiers: Orphanet 610, MedGen CN029274, MONDO:0024530, OMIM 158810.

Submissions (3):

CeGaT Center for Human Genetics Tuebingen
Classification: Pathogenic. Last evaluated: 2026-02-01. Review status: criteria provided, single submitter. Criteria: CeGaT Center For Human Genetics Tuebingen Variant Classification Criteria Version 2. Collection method: clinical testing. Allele origin: germline. Affected: yes. Observed: 1 variant allele.
Comment: COL6A2: PM1:Strong, PM2, PM5, PS2:Moderate, PS4:Moderate, PP3

3billion
Classification: Pathogenic for Bethlem myopathy 1A. Last evaluated: 2023-02-23. Review status: criteria provided, single submitter. Criteria: ACMG Guidelines, 2015. Collection method: clinical testing. Allele origin: unknown. Affected: yes.
Comment: The variant is not observed in the gnomAD v2.1.1 dataset. The variant is located in a mutational hot spot and/or well-established functional domain in which established pathogenic variants have been reported. In silico tool predictions suggest damaging effect of the variant on gene or gene product (REVEL: 0.98; 3Cnet: 0.95). Same nucleotide change resulting in same amino acid change has been previously reported to be associated with COL6A2 -related disorder (ClinVar ID: VCV001351958 / PMID: 29419890). The variant has been previously reported as de novo in a similarly affected individual (PMID: 29419890). Different missense changes at the same codon (p.Gly292Arg, p.Gly292Val) have been reported as pathogenic/likely pathogenic with strong evidence (ClinVar ID: VCV000198473, VCV000476496). Therefore, this variant is classified as Pathogenic according to the recommendation of ACMG/AMP guideline.

Labcorp Genetics (formerly Invitae), Labcorp
Classification: Pathogenic for Bethlem myopathy 1A. Last evaluated: 2021-08-15. Review status: criteria provided, single submitter. Criteria: Invitae Variant Classification Sherloc (09022015). Collection method: clinical testing. Allele origin: germline.
Comment: This sequence change replaces glycine with serine at codon 292 of the COL6A2 protein (p.Gly292Ser). The glycine residue is highly conserved and there is a small physicochemical difference between glycine and serine. This variant is not present in population databases (ExAC no frequency). This missense change has been observed in individual(s) with autosomal dominant COL6A2-related conditions (PMID: 29419890, 32403337). In at least one individual the variant was observed to be de novo. Advanced modeling of protein sequence and biophysical properties (such as structural, functional, and spatial information, amino acid conservation, physicochemical variation, residue mobility, and thermodynamic stability) performed at Invitae indicates that this missense variant is expected to disrupt COL6A2 protein function. This variant disrupts the triple helix domain of COL6A2. Glycine residues within the Gly-Xaa-Yaa repeats of the triple helix domain are required for the structure and stability of fibrillar collagens (PMID: 7695699, 8218237, 19344236). In COL6A2, missense variants at these glycine residues are significantly enriched in individuals with autosomal dominant disease (PMID: 15689448, 24038877) compared to the general population (ExAC). For these reasons, this variant has been classified as Pathogenic.

Literature cited by the submitters: PubMed 29419890 (cited by 3billion and Labcorp Genetics (formerly Invitae), Labcorp); PubMed 32403337 (cited by Labcorp Genetics (formerly Invitae), Labcorp); PubMed 7695699 (cited by Labcorp Genetics (formerly Invitae), Labcorp); PubMed 8218237 (cited by Labcorp Genetics (formerly Invitae), Labcorp); PubMed 19344236 (cited by Labcorp Genetics (formerly Invitae), Labcorp); PubMed 15689448 (cited by Labcorp Genetics (formerly Invitae), Labcorp); PubMed 24038877 (cited by Labcorp Genetics (formerly Invitae), Labcorp).